The following is an entry in ClinVar:

ClinVar aggregate classification (germline): Uncertain significance (1 of 4 stars; one submission).

Conditions:
RASopathy. Also called: Noonan spectrum disorder; rasopathies. Identifiers: Orphanet 536391, MedGen C5555857, MONDO:0021060.

Submission:

Labcorp Genetics (formerly Invitae), Labcorp
Classification: Uncertain significance for RASopathy. Last evaluated: 2025-06-27. Review status: criteria provided, single submitter. Criteria: Invitae Variant Classification Sherloc (09022015). Collection method: clinical testing. Allele origin: germline.
Comment: This sequence change replaces lysine, which is basic and polar, with threonine, which is neutral and polar, at codon 73 of the SHOC2 protein (p.Lys73Thr). This variant is not present in population databases (gnomAD no frequency). This variant has not been reported in the literature in individuals affected with SHOC2-related conditions. Invitae Evidence Modeling of protein sequence and biophysical properties (such as structural, functional, and spatial information, amino acid conservation, physicochemical variation, residue mobility, and thermodynamic stability) indicates that this missense variant is not expected to disrupt SHOC2 protein function with a negative predictive value of 80%. In summary, the available evidence is currently insufficient to determine the role of this variant in disease. Therefore, it has been classified as a Variant of Uncertain Significance.

NM_007373.4(SHOC2):c.218A>C (p.Lys73Thr)

Gene: SHOC2 (SHOC2 leucine rich repeat scaffold protein; plus strand). Cytogenetic location: 10q25.2.
Variant type: single nucleotide variant.
Coding change: c.218A>C on transcript NM_007373.4 (MANE Select); coding-DNA position 218, A replaced by C.
Protein change: p.Lys73Thr; replaces lysine 73 with threonine.
Molecular consequence: missense variant. On other transcripts: 5 prime UTR variant (1), non-coding transcript variant (1), intron variant (3).
Genome position (GRCh38, 1-based): chr10:110,964,576, A>C. VCF-style: chr10-110964576-A-C. GRCh37 (hg19) VCF-style: chr10-112724334-A-C.
Other names: c.218A>C, p.Lys73Thr (NM_001269039.3, NM_001324336.2, NM_001324337.2 and 4 more transcripts); c.-569A>C (NM_001441188.1); c.-380-21052A>C (NM_001441190.1); c.-249-21052A>C (NM_001441191.1); c.-242-35839A>C (NM_001441189.1); short protein forms K73T.
Identifiers: ClinVar variation 4741857 (VCV004741857.1).
Genomic context (GRCh38, chr10:110,964,576, plus strand): 5'-GAAAGAAGGACTCCAGTGCTGCCCAACCAGGGGTGGCATTTTCAGTTGACAATACGATCA[A>C]ACGGCCAAACCCAGCACCTGGGACTAGAAAAAAATCCAGCAATGCAGAGGTGATTAAAGA-3'
Protein context (NP_031399.2, residues 63-83): GVAFSVDNTI[Lys73Thr]RPNPAPGTRK